The following is an entry in ClinVar:

NM_006013.5(RPL10):c.-1C>T

Gene: RPL10 (ribosomal protein L10; plus strand). Cytogenetic location: Xq28.
Variant type: single nucleotide variant.
Coding change: c.-1C>T on transcript NM_006013.5 (MANE Select); 1 bases upstream of the start codon, C replaced by T.
Molecular consequence: 5 prime UTR variant.
Genome position (GRCh38, 1-based): chrX:154,398,519, C>T. VCF-style: chrX-154398519-C-T. GRCh37 (hg19) VCF-style: chrX-153626860-C-T.
Other names: c.-1C>T (NM_001256577.2, NM_001256580.2, NM_001303624.2 and 2 more transcripts).
Identifiers: ClinVar variation 5009688 (VCV005009688.1).

ClinVar aggregate classification (germline): Uncertain significance (1 of 4 stars; one submission).

gnomAD v4.1: 2 of 1,209,913 alleles (0.00017%); highest among the groups gnomAD compares: East Asian, 0.003%; no homozygotes.

Submission:

GeneDx
Classification: Uncertain significance. Last evaluated: 2026-02-21. Review status: criteria provided, single submitter. Criteria: GeneDx Variant Classification Process June 2021. Collection method: clinical testing. Allele origin: germline.
Comment: Not observed at significant frequency in large population cohorts (gnomAD); Alters the Kozak sequence, which plays a major role in the initiation of translation; Has not been previously published as pathogenic or benign to our knowledge